The following is an entry in ClinVar:

ClinVar aggregate classification (germline): Likely benign. Review status: criteria provided, multiple submitters, no conflicts (2 of 4 stars). 3 submissions from 3 submitters: Likely benign (3). Last evaluated 2025-11-10.

Conditions:
PLEC-related disorder. Also called: PLEC-related disorders; PLEC-related condition.
Epidermolysis bullosa simplex with nail dystrophy (EBS5D). Identifiers: MedGen C4225309, MONDO:0014661, OMIM 616487.
Epidermolysis bullosa simplex 5B, with muscular dystrophy (EBS5B). Also called: Epidermolysis bullosa simplex with muscular dystrophy; EPIDERMOLYSIS BULLOSA SIMPLEX AND LIMB-GIRDLE MUSCULAR DYSTROPHY. Identifiers: Orphanet 257, MedGen C2931072, MONDO:0009181, OMIM 226670.
Autosomal recessive limb-girdle muscular dystrophy type 2Q (LGMDR17). Also called: MUSCULAR DYSTROPHY, LIMB-GIRDLE, AUTOSOMAL RECESSIVE 17. Identifiers: Orphanet 254361, MedGen C3150989, MONDO:0013390, OMIM 613723.
Epidermolysis bullosa simplex 5C, with pyloric atresia (EBS5C). Also called: PLEC-Related Epidermolysis Bullosa with Pyloric Atresia; Epidermolysis bullosa simplex with pyloric atresia; PLEC1-Related Epidermolysis Bullosa with Pyloric Atresia. Identifiers: Orphanet 158684, MedGen C2677349, MONDO:0012807, OMIM 612138.
Epidermolysis bullosa simplex, Ogna type (EBS5A). Also called: Pidermolysis bullosa simplex 5A, Ogna type; EPIDERMOLYSIS BULLOSA SIMPLEX 5A, OGNA TYPE. Identifiers: Orphanet 79401, MedGen C0432317, MONDO:0007555, OMIM 131950.

Allele frequency attached by ClinVar (database versions not stated): gnomAD exomes 0.00003 and 0.00004; ExAC 0.00007; TOPMed 0.00016; gnomAD 0.00017 and 0.00019.
gnomAD v4.1: 72 of 1,601,798 alleles (0.0045%); highest among the groups gnomAD compares: Middle Eastern, 0.13%; 1 homozygote.

Submissions (3):

Labcorp Genetics (formerly Invitae), Labcorp
Classification: Likely benign for Autosomal recessive limb-girdle muscular dystrophy type 2Q; Epidermolysis bullosa simplex, Ogna type; Epidermolysis bullosa simplex with nail dystrophy; Epidermolysis bullosa simplex 5C, with pyloric atresia; Epidermolysis bullosa simplex 5B, with muscular dystrophy. Last evaluated: 2025-11-10. Review status: criteria provided, single submitter. Criteria: Invitae Variant Classification Sherloc (09022015). Collection method: clinical testing. Allele origin: germline.

PreventionGenetics, part of Exact Sciences
Classification: Likely benign for PLEC-related condition. Last evaluated: 2025-03-20. Review status: criteria provided, single submitter. Criteria: ACMG Guidelines, 2015. Collection method: clinical testing. Allele origin: germline.
Comment: This variant is classified as likely benign based on ACMG/AMP sequence variant interpretation guidelines (Richards et al. 2015 PMID: 25741868, with internal and published modifications).

Blueprint Genetics
Classification: Likely benign. Last evaluated: 2024-05-07. Review status: criteria provided, single submitter. Criteria: ACMG Guidelines, 2015. Collection method: clinical testing. Allele origin: germline.

NM_201384.3(PLEC):c.3120C>T (p.Val1040=)

Gene: PLEC (plectin; minus strand). Cytogenetic location: 8q24.3.
Variant type: single nucleotide variant.
Coding change: c.3120C>T on transcript NM_201384.3 (MANE Select); coding-DNA position 3120, C replaced by T.
Protein change: p.Val1040=; no amino-acid change (valine 1040 retained).
Molecular consequence: synonymous variant.
Genome position (GRCh38, 1-based): chr8:143,929,243, G>A on the plus strand (C>T on the coding strand, the complement: PLEC is on the minus strand). VCF-style: chr8-143929243-G-A. GRCh37 (hg19) VCF-style: chr8-145003411-G-A.
Other names: c.3201C>T, p.Val1067= (NM_000445.5); c.3078C>T, p.Val1026= (NM_201378.4); c.3054C>T, p.Val1018= (NM_201379.3); c.3531C>T, p.Val1177= (NM_201380.4); c.3024C>T, p.Val1008= (NM_201381.3); c.3120C>T, p.Val1040= (NM_201382.4); c.3132C>T, p.Val1044= (NM_201383.3).
Identifiers: ClinVar variation 705077 (VCV000705077.12), dbSNP rs782246688, ClinGen allele CA4927200.
Genomic context (GRCh38, chr8:143,929,243, plus strand): 5'-GGCCGCAGGCGATGGCTCTGGTAGGGCCAAGACCTTCTCGGCCTCGGCAGAGAGCCGGGC[G>A]ACCCCCTTGCCCAGCCCCTCCACCTCTGCCTGTGCCTTCTGCAAAGACAGGGAGTGGGAA-3'
Protein context (NP_958786.1, residues 1030-1050): QAEVEGLGKG[Val1040=]ARLSAEAEKV